The following is an entry in ClinVar:

ClinVar aggregate classification (germline): Pathogenic (1 of 4 stars; one submission).

Conditions:
Myasthenic syndrome, congenital, 22 (CMS22). Also called: PREPL DEFICIENCY. Identifiers: MedGen C4479088, MONDO:0044299, OMIM 616224.

Submission:

Labcorp Genetics (formerly Invitae), Labcorp
Classification: Pathogenic for Myasthenic syndrome, congenital, 22. Last evaluated: 2023-11-26. Review status: criteria provided, single submitter. Criteria: Invitae Variant Classification Sherloc (09022015). Collection method: clinical testing. Allele origin: germline.
Comment: This variant is a gross deletion of the genomic region encompassing exon(s) 6-7 of the PREPL gene. This deletion is out-of-frame, and is expected to create a premature termination codon and result in an absent or disrupted protein product. Loss-of-function variants in PREPL are known to be pathogenic (PMID: 24610330, 28726805, 29913539). This variant has not been reported in the literature in individuals affected with PREPL-related conditions. For these reasons, this variant has been classified as Pathogenic.

Literature cited by the submitters: PubMed 24610330; PubMed 28726805; PubMed 29913539.

NC_000002.11:g.(?_44565470)_(44566522_?)del

Gene: PREPL (prolyl endopeptidase like; minus strand). Cytogenetic location: 2p21.
Variant type: Deletion.
Identifiers: ClinVar variation 2425476 (VCV002425476.4).